The following is an entry in ClinVar:

ClinVar aggregate classification (germline): Uncertain significance (1 of 4 stars; one submission).

Conditions:
Hypertrophic cardiomyopathy 11. Also called: ACTC1-Related Familial Hypertrophic Cardiomyopathy. Identifiers: MedGen C2677506, MONDO:0012799, OMIM 612098.
Dilated cardiomyopathy 1R (CMD1R). Identifiers: Orphanet 154, Orphanet 54260, MedGen C3150681, MONDO:0013261, OMIM 613424.
Atrial septal defect 5 (ASD5). Identifiers: Orphanet 1478, MedGen C2748552, MONDO:0013011, OMIM 612794.

Submission:

Labcorp Genetics (formerly Invitae), Labcorp
Classification: Uncertain significance for Dilated cardiomyopathy 1R; Hypertrophic cardiomyopathy 11; Atrial septal defect 5. Last evaluated: 2025-05-11. Review status: criteria provided, single submitter. Criteria: Invitae Variant Classification Sherloc (09022015). Collection method: clinical testing. Allele origin: germline.
Comment: This sequence change replaces methionine, which is neutral and non-polar, with isoleucine, which is neutral and non-polar, at codon 271 of the ACTC1 protein (p.Met271Ile). This variant is not present in population databases (gnomAD no frequency). This variant has not been reported in the literature in individuals affected with ACTC1-related conditions. ClinVar contains an entry for this variant (Variation ID: 835562). Invitae Evidence Modeling of protein sequence and biophysical properties (such as structural, functional, and spatial information, amino acid conservation, physicochemical variation, residue mobility, and thermodynamic stability) indicates that this missense variant is not expected to disrupt ACTC1 protein function with a negative predictive value of 80%. Algorithms developed to predict the effect of sequence changes on RNA splicing suggest that this variant may create or strengthen a splice site. In summary, the available evidence is currently insufficient to determine the role of this variant in disease. Therefore, it has been classified as a Variant of Uncertain Significance.

NM_005159.5(ACTC1):c.813G>A (p.Met271Ile)

Genes: ACTC1 (actin alpha cardiac muscle 1; minus strand), GJD2-DT (GJD2 divergent transcript; plus strand). Cytogenetic location: 15q14.
Variant type: single nucleotide variant.
Coding change: c.813G>A on transcript NM_005159.5 (MANE Select); coding-DNA position 813, G replaced by A.
Protein change: p.Met271Ile; replaces methionine 271 with isoleucine.
Molecular consequence: missense variant.
Genome position (GRCh38, 1-based): chr15:34,791,291, C>T on the plus strand (G>A on the coding strand, the complement: ACTC1 is on the minus strand). VCF-style: chr15-34791291-C-T. GRCh37 (hg19) VCF-style: chr15-35083492-C-T.
Other names: short protein forms M271I.
Identifiers: ClinVar variation 835562 (VCV000835562.9), dbSNP rs1891698673, ClinGen allele CA391629662.